The following is an entry in ClinVar:

ClinVar aggregate classification (germline): Uncertain significance (1 of 4 stars; one submission).

Conditions:
FADD-related immunodeficiency. Also called: Infections, recurrent, with encephalopathy, hepatic dysfunction, and cardiovascular malformations; FADD DEFICIENCY. Identifiers: Orphanet 306550, MedGen C3151062, MONDO:0013408, OMIM 613759.

Allele frequency attached by ClinVar (database versions not stated): TOPMed below 0.00001; gnomAD 0.00001; gnomAD exomes 0.00001; ExAC 0.00005.

Submission:

Labcorp Genetics (formerly Invitae), Labcorp
Classification: Uncertain significance for FADD-related immunodeficiency. Last evaluated: 2021-12-21. Review status: criteria provided, single submitter. Criteria: Invitae Variant Classification Sherloc (09022015). Collection method: clinical testing. Allele origin: germline.
Comment: This sequence change replaces glutamic acid, which is acidic and polar, with lysine, which is basic and polar, at codon 95 of the FADD protein (p.Glu95Lys). This variant is present in population databases (rs770482455, gnomAD 0.008%). This variant has not been reported in the literature in individuals affected with FADD-related conditions. Algorithms developed to predict the effect of missense changes on protein structure and function (SIFT, PolyPhen-2, Align-GVGD) all suggest that this variant is likely to be tolerated. In summary, the available evidence is currently insufficient to determine the role of this variant in disease. Therefore, it has been classified as a Variant of Uncertain Significance.

NM_003824.4(FADD):c.283G>A (p.Glu95Lys)

Genes: FADD (Fas associated via death domain; plus strand), LOC130006295 (ATAC-STARR-seq lymphoblastoid silent region 3699; plus strand). Cytogenetic location: 11q13.3.
Variant type: single nucleotide variant.
Coding change: c.283G>A on transcript NM_003824.4 (MANE Select); coding-DNA position 283, G replaced by A.
Protein change: p.Glu95Lys; replaces glutamic acid 95 with lysine.
Molecular consequence: missense variant.
Genome position (GRCh38, 1-based): chr11:70,203,742, G>A. VCF-style: chr11-70203742-G-A. GRCh37 (hg19) VCF-style: chr11-70049848-G-A.
Other names: short protein forms E95K.
Identifiers: ClinVar variation 1924615 (VCV001924615.2), dbSNP rs770482455, ClinGen allele CA6158439.
Genomic context (GRCh38, chr11:70,203,742, plus strand): 5'-CTGCTGCGGCGCGTCGACGACTTCGAGGCGGGGGCGGCGGCCGGGGCCGCGCCTGGGGAA[G>A]AAGGTGGGCGCGGGGCCGGGCCGGGGGAGCCAGGGCCTGGTCGCCCGGCTGTAGGTGCTG-3'
Protein context (NP_003815.1, residues 85-105): GAAAGAAPGE[Glu95Lys]DLCAAFNVIC